The following is an entry in ClinVar:

ClinVar aggregate classification (germline): Likely benign (1 of 4 stars; one submission).

Allele frequency attached by ClinVar (database versions not stated): gnomAD 0.00001; gnomAD exomes 0.00001; TOPMed 0.00002; ExAC 0.00003.
gnomAD v4.1: 23 of 1,611,740 alleles (0.0014%); highest among the groups gnomAD compares: Non-Finnish European, 0.0018%; no homozygotes.

Submission:

CeGaT Center for Human Genetics Tuebingen
Classification: Likely benign. Last evaluated: 2022-10-01. Review status: criteria provided, single submitter. Criteria: CeGaT Center For Human Genetics Tuebingen Variant Classification Criteria Version 2. Collection method: clinical testing. Allele origin: germline. Affected: yes. Observed: 1 variant allele.
Comment: RYR3: BP4, BP7

NM_001036.6(RYR3):c.13989A>T (p.Val4663=)

Genes: AVEN (apoptosis and caspase activation inhibitor; minus strand), RYR3 (ryanodine receptor 3; plus strand). Cytogenetic location: 15q14.
Variant type: single nucleotide variant.
Coding change: c.13989A>T on transcript NM_001036.6 (MANE Select); coding-DNA position 13989, A replaced by T.
Protein change: p.Val4663=; no amino-acid change (valine 4663 retained).
Molecular consequence: synonymous variant.
Genome position (GRCh38, 1-based): chr15:33,854,894, A>T. VCF-style: chr15-33854894-A-T. GRCh37 (hg19) VCF-style: chr15-34147095-A-T.
Other names: c.13974A>T, p.Val4658= (NM_001243996.4).
Identifiers: ClinVar variation 2645146 (VCV002645146.24), dbSNP rs781710500, ClinGen allele CA7461845.